The following is an entry in ClinVar:

NM_015650.4(TRAF3IP1):c.1669T>A (p.Ser557Thr)

Gene: TRAF3IP1 (TRAF3 interacting protein 1; plus strand). Cytogenetic location: 2q37.3.
Variant type: single nucleotide variant.
Coding change: c.1669T>A on transcript NM_015650.4 (MANE Select); coding-DNA position 1669, T replaced by A.
Protein change: p.Ser557Thr; replaces serine 557 with threonine.
Molecular consequence: missense variant.
Genome position (GRCh38, 1-based): chr2:238,356,060, T>A. VCF-style: chr2-238356060-T-A. GRCh37 (hg19) VCF-style: chr2-239264701-T-A.
Other names: c.1471T>A, p.Ser491Thr (NM_001139490.1); c.1669T>A (NM_015650.3); short protein forms S491T, S557T.
Identifiers: ClinVar variation 1063029 (VCV001063029.9), dbSNP rs914125763, ClinGen allele CA67959777.

ClinVar aggregate classification (germline): Uncertain significance. Review status: criteria provided, multiple submitters, no conflicts (2 of 4 stars). 3 submissions from 3 submitters: Uncertain significance (3). Last evaluated 2025-06-02.

Conditions:
Inborn genetic diseases. Identifiers: MedGen C0950123, MeSH D030342.

Allele frequency attached by ClinVar (database versions not stated): gnomAD exomes 0.00001 and 0.00004; gnomAD 0.00003 and 0.00004; TOPMed 0.00005.
gnomAD v4.1: 25 of 1,613,662 alleles (0.0015%); highest among the groups gnomAD compares: Middle Eastern, 0.033%; no homozygotes.

Submissions (3):

Labcorp Genetics (formerly Invitae), Labcorp
Classification: Uncertain significance. Last evaluated: 2025-06-02. Review status: criteria provided, single submitter. Criteria: Invitae Variant Classification Sherloc (09022015). Collection method: clinical testing. Allele origin: germline.
Comment: This sequence change replaces serine, which is neutral and polar, with threonine, which is neutral and polar, at codon 557 of the TRAF3IP1 protein (p.Ser557Thr). This variant is present in population databases (no rsID available, gnomAD 0.04%). This variant has not been reported in the literature in individuals affected with TRAF3IP1-related conditions. ClinVar contains an entry for this variant (Variation ID: 1063029). Invitae Evidence Modeling of protein sequence and biophysical properties (such as structural, functional, and spatial information, amino acid conservation, physicochemical variation, residue mobility, and thermodynamic stability) indicates that this missense variant is not expected to disrupt TRAF3IP1 protein function with a negative predictive value of 80%. In summary, the available evidence is currently insufficient to determine the role of this variant in disease. Therefore, it has been classified as a Variant of Uncertain Significance.

Ambry Genetics
Classification: Uncertain significance for Inborn genetic diseases. Last evaluated: 2024-12-24. Review status: criteria provided, single submitter. Criteria: Ambry Variant Classification Scheme 2023. Collection method: clinical testing. Allele origin: germline.

Breakthrough Genomics
Classification: Uncertain significance. Review status: criteria provided, single submitter. Criteria: ACMG Guidelines, 2015. Collection method: not provided. Allele origin: germline. Inheritance: Autosomal recessive inheritance. Affected: yes.